The following is an entry in ClinVar:

NM_005633.4(SOS1):c.797C>A (p.Thr266Lys)

Gene: SOS1 (SOS Ras/Rac guanine nucleotide exchange factor 1; minus strand). Cytogenetic location: 2p22.1.
Variant type: single nucleotide variant.
Coding change: c.797C>A on transcript NM_005633.4 (MANE Select); coding-DNA position 797, C replaced by A.
Protein change: p.Thr266Lys; replaces threonine 266 with lysine.
Molecular consequence: missense variant.
Genome position (GRCh38, 1-based): chr2:39,051,211, G>T on the plus strand (C>A on the coding strand, the complement: SOS1 is on the minus strand). VCF-style: chr2-39051211-G-T. GRCh37 (hg19) VCF-style: chr2-39278352-G-T.
Other names: p.T266K:ACA>AAA; c.776C>A, p.Thr259Lys (NM_001382394.1); c.797C>A, p.Thr266Lys (NM_001382395.1); short protein forms T266K, T259K.
Identifiers: ClinVar variation 12869 (VCV000012869.62), dbSNP rs137852812, ClinGen allele CA256578.

ClinVar aggregate classification (germline): Pathogenic/Likely pathogenic. Review status: criteria provided, multiple submitters, no conflicts (2 of 4 stars). 17 submissions from 17 submitters: Pathogenic (12); Likely pathogenic (1). 4 of the submissions do not count toward it. Last evaluated 2025-12-11.

Conditions:
Monogenic short statue.
SOS1-related disorder. Also called: SOS1-related condition.
RASopathy. Also called: Noonan spectrum disorder; rasopathies. Identifiers: Orphanet 536391, MedGen C5555857, MONDO:0021060.
Noonan syndrome (NS). Also called: Noonan's syndrome. Identifiers: Orphanet 648, MedGen C0028326, MeSH D009634, MONDO:0018997. Disease mechanism: gain of function.
Noonan syndrome 4 (NS4). Also called: NOONAN SYNDROME WITH PIGMENTED VILLONODULAR SYNOVITIS; SOS1-Related Noonan Syndrome. Identifiers: Orphanet 648, MedGen C1853120, MONDO:0012547, OMIM 610733.
Fibromatosis, gingival, 1 (GINGF1). Identifiers: Orphanet 2024, MedGen C4551558, MONDO:0007609, OMIM 135300.
Noonan syndrome 1 (NS1). Also called: FEMALE PSEUDO-TURNER SYNDROME; TURNER PHENOTYPE WITH NORMAL KARYOTYPE; PTPN11-Related Noonan Syndrome. Identifiers: Orphanet 648, MedGen C4551602, MONDO:0008104, OMIM 163950. Disease mechanism: gain of function.

Submissions (17):

Medical and Scientific Branch, Hong Kong Genome Institute
Classification: Pathogenic for Noonan syndrome 4. Last evaluated: 2025-12-11. Review status: criteria provided, single submitter. Criteria: ACMG Guidelines, 2015. Collection method: clinical testing. Allele origin: de novo. Affected: yes.

Labcorp Genetics (formerly Invitae), Labcorp
Classification: Pathogenic for RASopathy. Last evaluated: 2025-11-04. Review status: criteria provided, single submitter. Criteria: Invitae Variant Classification Sherloc (09022015). Collection method: clinical testing. Allele origin: germline.
Comment: This sequence change replaces threonine, which is neutral and polar, with lysine, which is basic and polar, at codon 266 of the SOS1 protein (p.Thr266Lys). This variant is not present in population databases (gnomAD no frequency). This missense change has been observed in individual(s) with Noonan syndrome (PMID: 17143285, 18678287, 19020799, 19077116, 19953625, 21387466, 22420426, 23665959, 23885229). In at least one individual the variant was observed to be de novo. ClinVar contains an entry for this variant (Variation ID: 12869). Invitae Evidence Modeling of protein sequence and biophysical properties (such as structural, functional, and spatial information, amino acid conservation, physicochemical variation, residue mobility, and thermodynamic stability) has been performed for this missense variant. However, the output from this modeling did not meet the statistical confidence thresholds required to predict the impact of this variant on SOS1 protein function. For these reasons, this variant has been classified as Pathogenic.

NHS Central & South Genomic Laboratory Hub
Classification: Pathogenic for Monogenic short statue. Last evaluated: 2025-10-21. Review status: criteria provided, single submitter. Criteria: ACMG Guidelines, 2015. Collection method: clinical testing. Allele origin: germline. Affected: yes.

Dasa
Classification: Likely pathogenic for Noonan syndrome 4. Last evaluated: 2025-08-12. Review status: criteria provided, single submitter. Criteria: DASA Assertion Criteria. Collection method: clinical testing. Allele origin: germline.
Comment: NM_005633.4(SOS1):c.797C>A (p.Thr266Lys) is a missense variant that results in the substitution of threonine with lysine. This variant has been recurrently observed in individuals with SOS1-related disorders (PMID: 17143285; PMID: 23665959; PMID: 18678287; PMID: 22420426; PMID: 19077116). This variant has been reported as a de novo occurrence in an affected individual (PMID: 23665959; PMID: 23885229). Also, this variant is absent from population databases. Computational evidence supports a deleterious effect. Based on the currently available evidence, this variant is classified as likely pathogenic.

3billion
Classification: Pathogenic for Noonan syndrome 4. Last evaluated: 2025-07-11. Review status: criteria provided, single submitter. Criteria: ACMG Guidelines, 2015. Collection method: clinical testing. Allele origin: germline. Affected: yes.
Comment: The variant is not observed in the gnomAD v4.1.0 dataset. Predicted Consequence/Location: Missense variant. Missense changes are a common disease-causing mechanism. In silico tool predictions suggest damaging effect of the variant on gene or gene product [REVEL: 0.70 (>=0.6, sensitivity 0.68 and specificity 0.92); 3Cnet: 0.99 (> 0.75, sensitivity 0.96 and precision 0.92)]. The same nucleotide change resulting in the same amino acid change has been previously reported as pathogenic/likely pathogenic with strong evidence (ClinVar ID: VCV000012869 /PMID: 17143285 /3billion dataset). Different missense changes at the same codon (p.Thr266Arg, p.Thr266Pro) have been reported as pathogenic/likely pathogenic with strong evidence (ClinVar ID: VCV001480819, VCV001500284). Therefore, this variant is classified as Pathogenic according to the recommendation of ACMG/AMP guideline.

Women's Health and Genetics/Laboratory Corporation of America, LabCorp
Classification: Pathogenic for RASopathy. Last evaluated: 2025-02-03. Review status: criteria provided, single submitter. Criteria: LabCorp Variant Classification Summary - May 2015. Collection method: clinical testing. Allele origin: germline.
Comment: Variant summary: SOS1 c.797C>A (p.Thr266Lys) results in a non-conservative amino acid change located in the Dbl homology (DH) domain profile (IPR000219) of the encoded protein sequence. Four of five in-silico tools predict a damaging effect of the variant on protein function. The variant was absent in 251356 control chromosomes. c.797C>A has been reported in the literature in individuals affected with Noonan Syndrome (e.g. Denayer_2010, Ferrero_2008, Ko_2008, Roberts_2006), and also observed as de novo in at least one individual. These data indicate that the variant is very likely to be associated with disease. To our knowledge, no experimental evidence demonstrating an impact on protein function has been reported. The following publications have been ascertained in the context of this evaluation (PMID: 19953625, 18678287, 19020799, 17143285). ClinVar contains an entry for this variant (Variation ID: 12869). Based on the evidence outlined above, the variant was classified as pathogenic.

Medical Genetics Center, Maternal and Child Health Hospital of Hubei Province
Classification: Pathogenic for Noonan syndrome 4. Last evaluated: 2024-06-20. Review status: criteria provided, single submitter. Criteria: ACMG Guidelines, 2015. Collection method: clinical testing. Allele origin: de novo. Affected: yes.
Comment: PM2_Supporting + PP3 + PS2_Moderate + PM1 + PS4

CeGaT Center for Human Genetics Tuebingen
Classification: Pathogenic. Last evaluated: 2023-02-01. Review status: criteria provided, single submitter. Criteria: CeGaT Center For Human Genetics Tuebingen Variant Classification Criteria Version 2. Collection method: clinical testing. Allele origin: germline. Affected: yes. Observed: 2 variant alleles.
Comment: SOS1: PS2:Very Strong, PS4, PM2, PP3

GeneDx
Classification: Pathogenic. Last evaluated: 2022-08-23. Review status: criteria provided, single submitter. Criteria: GeneDx Variant Classification Process June 2021. Collection method: clinical testing. Allele origin: germline. Affected: yes.
Comment: Not observed in large population cohorts (gnomAD); The majority of missense variants in this gene are considered pathogenic (HGMD); In silico analysis supports that this missense variant does not alter protein structure/function; This variant is associated with the following publications: (PMID: 35131284, 34184824, 23665959, 24803665, 19953625, 23885229, 17143285, 21387466, 19020799, 18678287, 19077116, 28991257, 30417923, 31560489, 32368696)

Blueprint Genetics
Classification: Pathogenic for SOS1-related disorders. Last evaluated: 2021-09-21. Review status: criteria provided, single submitter. Criteria: ACMG Guidelines, 2015. Collection method: clinical testing. Allele origin: germline. Affected: yes. Observed: 2 variant alleles.

Fulgent Genetics
Classification: Pathogenic for Fibromatosis, gingival, 1; Noonan syndrome 4. Last evaluated: 2017-05-18. Review status: criteria provided, single submitter. Criteria: ACMG Guidelines, 2015. Collection method: clinical testing. Allele origin: unknown.

Laboratory for Molecular Medicine, Mass General Brigham Personalized Medicine
Classification: Pathogenic for Noonan syndrome. Last evaluated: 2012-06-26. Review status: criteria provided, single submitter. Criteria: LMM Criteria. Collection method: clinical testing. Allele origin: germline. Observed: 10 variant alleles.
Comment: The Thr266Lys variant in SOS1 has been identified in the literature in several i ndividuals with clinical features of Noonan syndrome (Ko 2008, Ferrero 2008, Den ayer 2010, Pierpont 2009, Roberts 2007). This variant has been reported to have occurred de novo in at least one individual with sporadic disease (Denayer 2010) . In summary, this variant meets our criteria to be classified as pathogenic bas ed on it occurring de novo and its high frequency in individuals with features o f Noonan syndrome.

Genome-Nilou Lab
Classification: Pathogenic for Noonan syndrome 4. Review status: criteria provided, single submitter. Criteria: ACMG Guidelines, 2015. Collection method: clinical testing. Allele origin: germline.

ARUP Laboratories, Molecular Genetics and Genomics, ARUP Laboratories
Classification: Pathogenic for Noonan syndrome. Last evaluated: 2011-12-12. Review status: no assertion criteria provided. Collection method: clinical testing. Allele origin: germline. Affected: yes. Observed: 1 variant allele. Not counted in ClinVar's aggregate classification.

OMIM
Classification: Pathogenic for NOONAN SYNDROME 4. Last evaluated: 2008-11-01. Review status: no assertion criteria provided. Collection method: literature only. Allele origin: germline. Not counted in ClinVar's aggregate classification.

Baylor Genetics
Classification: Pathogenic for Rasopathy. Review status: no assertion criteria provided. Collection method: clinical testing. Allele origin: unknown. Affected: yes. Not counted in ClinVar's aggregate classification.
Comment: Variant classified using ACMG guidelines

Molecular Genetics, Centre for Human Genetics
Classification: Pathogenic for Noonan syndrome 1. Review status: no assertion criteria provided. Collection method: clinical testing. Allele origin: de novo. Inheritance: Autosomal dominant inheritance. Affected: yes. Observed: 1 variant allele. Not counted in ClinVar's aggregate classification.

Literature cited by the submitters: PubMed 17143285 (cited by 6 submitters); PubMed 18678287 (cited by 6 submitters); PubMed 19020799 (cited by 3 submitters); PubMed 19077116 (cited by 4 submitters); PubMed 19953625 (cited by 3 submitters); PubMed 21387466 (cited by 3 submitters); PubMed 22420426 (cited by Labcorp Genetics (formerly Invitae), Labcorp and Dasa); PubMed 23665959 (cited by 3 submitters); PubMed 23885229 (cited by Labcorp Genetics (formerly Invitae), Labcorp and Dasa); PubMed 35386434 (cited by Medical Genetics Center, Maternal and Child Health Hospital of Hubei Province); PubMed 35979676 (cited by Medical Genetics Center, Maternal and Child Health Hospital of Hubei Province); PubMed 21204800 (cited by Medical Genetics Center, Maternal and Child Health Hospital of Hubei Province).